The following is an entry in ClinVar:

NM_000168.6(GLI3):c.169G>T (p.Ala57Ser)

Gene: GLI3 (GLI family zinc finger 3; minus strand). Cytogenetic location: 7p14.1.
Variant type: single nucleotide variant.
Coding change: c.169G>T on transcript NM_000168.6 (MANE Select); coding-DNA position 169, G replaced by T.
Protein change: p.Ala57Ser; replaces alanine 57 with serine.
Molecular consequence: missense variant.
Genome position (GRCh38, 1-based): chr7:42,148,424, C>A on the plus strand (G>T on the coding strand, the complement: GLI3 is on the minus strand). VCF-style: chr7-42148424-C-A. GRCh37 (hg19) VCF-style: chr7-42188023-C-A.
Other names: short protein forms A57S.
Identifiers: ClinVar variation 3371587 (VCV003371587.1).
Genomic context (GRCh38, chr7:42,148,424, plus strand): 5'-TTGAAGGTTCCTCACTGACTTTGCTGAGCCCCTGGACATTCTGTGGCTGCATAGTGATTG[C>A]GTTTCTTCTCTCTCTGTGATAAGTCTGTCCAGGACTTTCATCCTCTAAAGAAAGAAGAAA-3'
Protein context (NP_000159.3, residues 47-67): GQTYHRERRN[Ala57Ser]ITMQPQNVQG

ClinVar aggregate classification (germline): Uncertain significance (1 of 4 stars; one submission).

gnomAD v4.1: 1 of 1,613,698 alleles (0.000062%); highest among the groups gnomAD compares: African/African-American, 0.0013%; no homozygotes.

Submission:

GeneDx
Classification: Uncertain significance. Last evaluated: 2024-03-28. Review status: criteria provided, single submitter. Criteria: GeneDx Variant Classification Process June 2021. Collection method: clinical testing. Allele origin: germline. Affected: yes.
Comment: In silico analysis supports that this missense variant does not alter protein structure/function; Has not been previously published as pathogenic or benign to our knowledge